The following is an entry in ClinVar:

ClinVar aggregate classification (germline): Benign/Likely benign. Review status: criteria provided, multiple submitters, no conflicts (2 of 4 stars). 3 submissions from 3 submitters: Benign (1); Likely benign (2). Last evaluated 2026-08-01.

Allele frequency attached by ClinVar (database versions not stated): gnomAD 0.00003 and 0.00005; ExAC 0.00012; TOPMed 0.00012; 1000 Genomes Project 30x 0.00016; gnomAD exomes 0.00016; 1000 Genomes Project 0.00020.
gnomAD v4.1: 71 of 1,613,958 alleles (0.0044%); highest among the groups gnomAD compares: East Asian, 0.14%; no homozygotes.

Submissions (3):

CeGaT Center for Human Genetics Tuebingen
Classification: Likely benign. Last evaluated: 2026-08-01. Review status: criteria provided, single submitter. Criteria: CeGaT Center For Human Genetics Tuebingen Variant Classification Criteria Version 2. Collection method: clinical testing. Allele origin: germline. Affected: yes. Observed: 1 variant allele.
Comment: PEX11B: BP4, BP7

Labcorp Genetics (formerly Invitae), Labcorp
Classification: Benign. Last evaluated: 2025-08-04. Review status: criteria provided, single submitter. Criteria: Invitae Variant Classification Sherloc (09022015). Collection method: clinical testing. Allele origin: germline.

Blueprint Genetics
Classification: Likely benign. Last evaluated: 2024-01-23. Review status: criteria provided, single submitter. Criteria: ACMG Guidelines, 2015. Collection method: clinical testing. Allele origin: germline.

NM_003846.3(PEX11B):c.291C>T (p.Phe97=)

Gene: PEX11B (peroxisomal biogenesis factor 11 beta; minus strand). Cytogenetic location: 1q21.1.
Variant type: single nucleotide variant.
Coding change: c.291C>T on transcript NM_003846.3 (MANE Select); coding-DNA position 291, C replaced by T.
Protein change: p.Phe97=; no amino-acid change (phenylalanine 97 retained).
Molecular consequence: synonymous variant. On other transcripts: non-coding transcript variant (3).
Genome position (GRCh38, 1-based): chr1:145,916,900, G>A on the plus strand (C>T on the coding strand, the complement: PEX11B is on the minus strand). VCF-style: chr1-145916900-G-A. GRCh37 (hg19) VCF-style: chr1-145518189-C-T.
Other names: c.249C>T, p.Phe83= (NM_001184795.1).
Identifiers: ClinVar variation 1168100 (VCV001168100.12), dbSNP rs151338360, ClinGen allele CA1055565.